The following is an entry in ClinVar:

NC_000010.10:g.(?_97442388)_(97516032_?)dup

Genes: TCTN3 (tectonic family member 3; minus strand), ENTPD1 (ectonucleoside triphosphate diphosphohydrolase 1; plus strand). Cytogenetic location: 10q24.1.
Variant type: Duplication.
Identifiers: ClinVar variation 2426202 (VCV002426202.4).

ClinVar aggregate classification (germline): Uncertain significance (1 of 4 stars; one submission).

Conditions:
Joubert syndrome 18 (JBTS18). Identifiers: Orphanet 2754, MedGen C3553758, MONDO:0013896, OMIM 614815.
Orofacial-digital syndrome IV (OFD4). Also called: BARAITSER-BURN SYNDROME; OFD SYNDROME WITH TIBIAL DEFECTS; OFD SYNDROME, BARAITSER-BURN TYPE; OFDS IV; ORAL-FACIAL-DIGITAL SYNDROME, TYPE IV; Orofaciodigital syndrome IV. Identifiers: Orphanet 2753, MedGen C0406727, MONDO:0009794, OMIM 258860.

Submission:

Labcorp Genetics (formerly Invitae), Labcorp
Classification: Uncertain significance for Joubert syndrome 18; Orofacial-digital syndrome IV. Last evaluated: 2022-05-12. Review status: criteria provided, single submitter. Criteria: Invitae Variant Classification Sherloc (09022015). Collection method: clinical testing. Allele origin: germline.
Comment: This variant results in a copy number gain of the genomic region encompassing exon(s) 1-12 of the TCTN3 gene. This region includes the initiator codon of the gene. This copy number gain extends beyond the assayed region for this gene and therefore may encompass additional genes. As the precise location of this event is unknown, it may be in tandem or it may be located elsewhere in the genome. This variant has not been reported in the literature in individuals affected with TCTN3-related conditions. Experimental studies and prediction algorithms are not available or were not evaluated, and the functional significance of this variant is currently unknown. In summary, the available evidence is currently insufficient to determine the role of this variant in disease. Therefore, it has been classified as a Variant of Uncertain Significance.